The following is an entry in ClinVar:

ClinVar aggregate classification (germline): Uncertain significance (1 of 4 stars; one submission).

Conditions:
Epilepsy, progressive myoclonic, 1B. Also called: PME. Identifiers: Orphanet 308, MedGen C2676254, MONDO:0012904, OMIM 612437.

Submission:

Labcorp Genetics (formerly Invitae), Labcorp
Classification: Uncertain significance for Epilepsy, progressive myoclonic, 1B. Last evaluated: 2022-05-19. Review status: criteria provided, single submitter. Criteria: Invitae Variant Classification Sherloc (09022015). Collection method: clinical testing. Allele origin: germline.
Comment: This variant results in a copy number gain of the genomic region encompassing exon(s) 8 of the PRICKLE1 gene. This region includes the termination codon of the gene. This copy number gain extends beyond the assayed region for this gene and therefore may encompass additional genes. As the precise location of this event is unknown, it may be in tandem or it may be located elsewhere in the genome. This variant has not been reported in the literature in individuals affected with PRICKLE1-related conditions. Experimental studies and prediction algorithms are not available or were not evaluated, and the functional significance of this variant is currently unknown. In summary, the available evidence is currently insufficient to determine the role of this variant in disease. Therefore, it has been classified as a Variant of Uncertain Significance.

NC_000012.11:g.(?_42853611)_(42854487_?)dup

Gene: PRICKLE1 (prickle planar cell polarity protein 1; minus strand). Cytogenetic location: 12q12.
Variant type: Duplication.
Identifiers: ClinVar variation 2427425 (VCV002427425.4).